The following is an entry in ClinVar:

NM_001018115.3(FANCD2):c.3872T>G (p.Leu1291Arg)

Genes: FANCD2 (FA complementation group D2; plus strand), FANCD2OS (FANCD2 opposite strand; minus strand). Cytogenetic location: 3p25.3.
Variant type: single nucleotide variant.
Coding change: c.3872T>G on transcript NM_001018115.3 (MANE Select); coding-DNA position 3872, T replaced by G.
Protein change: p.Leu1291Arg; replaces leucine 1291 with arginine.
Molecular consequence: missense variant. On other transcripts: intron variant (2).
Genome position (GRCh38, 1-based): chr3:10,093,307, T>G. VCF-style: chr3-10093307-T-G. GRCh37 (hg19) VCF-style: chr3-10134991-T-G.
Other names: c.3872T>G, p.Leu1291Arg (NM_001319984.2, NM_033084.6); c.3761T>G, p.Leu1254Arg (NM_001374253.1); c.3850-982T>G (NM_001374254.1); c.*43+10891A>C (NM_173472.2); short protein forms L1254R, L1291R.
Identifiers: ClinVar variation 4744487 (VCV004744487.1).

ClinVar aggregate classification (germline): Uncertain significance (1 of 4 stars; one submission).

Conditions:
Fanconi anemia (FA). Also called: Fanconi's anemia. Identifiers: Orphanet 84, MedGen C0015625, MeSH D005199, MONDO:0019391.

gnomAD v4.1: 1 of 1,613,510 alleles (0.000062%); no homozygotes.

Submission:

Labcorp Genetics (formerly Invitae), Labcorp
Classification: Uncertain significance for Fanconi anemia. Last evaluated: 2025-08-30. Review status: criteria provided, single submitter. Criteria: Invitae Variant Classification Sherloc (09022015). Collection method: clinical testing. Allele origin: germline.
Comment: This sequence change replaces leucine, which is neutral and non-polar, with arginine, which is basic and polar, at codon 1291 of the FANCD2 protein (p.Leu1291Arg). This variant is not present in population databases (gnomAD no frequency). This variant has not been reported in the literature in individuals affected with FANCD2-related conditions. Invitae Evidence Modeling of protein sequence and biophysical properties (such as structural, functional, and spatial information, amino acid conservation, physicochemical variation, residue mobility, and thermodynamic stability) indicates that this missense variant is expected to disrupt FANCD2 protein function with a positive predictive value of 80%. In summary, the available evidence is currently insufficient to determine the role of this variant in disease. Therefore, it has been classified as a Variant of Uncertain Significance.